The following is an entry in ClinVar:

NM_006514.4(SCN10A):c.2465C>T (p.Ala822Val)

Gene: SCN10A (sodium voltage-gated channel alpha subunit 10; minus strand). Cytogenetic location: 3p22.2.
Variant type: single nucleotide variant.
Coding change: c.2465C>T on transcript NM_006514.4 (MANE Select); coding-DNA position 2465, C replaced by T.
Protein change: p.Ala822Val; replaces alanine 822 with valine.
Molecular consequence: missense variant.
Genome position (GRCh38, 1-based): chr3:38,728,717, G>A on the plus strand (C>T on the coding strand, the complement: SCN10A is on the minus strand). VCF-style: chr3-38728717-G-A. GRCh37 (hg19) VCF-style: chr3-38770208-G-A.
Other names: c.2465C>T, p.Ala822Val (NM_001293306.2); c.2171C>T, p.Ala724Val (NM_001293307.2); short protein forms A822V, A724V.
Identifiers: ClinVar variation 463240 (VCV000463240.20), dbSNP rs747839312, ClinGen allele CA2320534.
Genomic context (GRCh38, chr3:38,728,717, plus strand): 5'-ACAATGAGGAAAGAGTGGAAGAAGTCGTGCATGTGCCAGCGGGGCCAGTCTTCATGGGGC[G>A]CGGAGATATTTTTTCGGTTGTTACGGTAGTTTTCCCCTAGGAGCTGCTTGCCAACCAGAG-3'
Protein context (NP_006505.4, residues 812-832): NYRNNRKNIS[Ala822Val]PHEDWPRWHM

ClinVar aggregate classification (germline): Uncertain significance. Review status: criteria provided, multiple submitters, no conflicts (2 of 4 stars). 7 submissions from 7 submitters: Uncertain significance (7). Last evaluated 2026-03-27.

Conditions:
SCN10A-related disorder. Also called: SCN10A-related condition.
Episodic pain syndrome, familial, 2 (FEPS2). Identifiers: Orphanet 306577, MedGen C3809893, MONDO:0014246, OMIM 615551.
Cardiovascular phenotype. Identifiers: MedGen CN230736.
Brugada syndrome. Also called: Sudden unexpected nocturnal death syndrome; Sudden unexplained nocturnal death syndrome; Sudden Unexplained Death Syndrome; Sudden Unexplained Nocturnal Death Syndrome (SUNDS). Identifiers: Orphanet 130, MedGen C1142166, MONDO:0015263.

Allele frequency attached by ClinVar (database versions not stated): ExAC 0.00003; gnomAD exomes 0.00003 and 0.00010; gnomAD 0.00005; TOPMed 0.00006.
gnomAD v4.1: 149 of 1,614,050 alleles (0.0092%); highest among the groups gnomAD compares: Non-Finnish European, 0.012%; no homozygotes.

Submissions (7):

PreventionGenetics, part of Exact Sciences
Classification: Uncertain significance for SCN10A-related condition. Last evaluated: 2026-03-27. Review status: criteria provided, single submitter. Criteria: ACMG Guidelines, 2015. Collection method: clinical testing. Allele origin: germline.
Comment: The SCN10A c.2465C>T variant is predicted to result in the amino acid substitution p.Ala822Val. To our knowledge, this variant has not been reported in the literature. This variant is reported in 0.0050% of alleles in individuals of East Asian descent in gnomAD. At this time, the clinical significance of this variant is uncertain due to the absence of conclusive functional and genetic evidence.

Labcorp Genetics (formerly Invitae), Labcorp
Classification: Uncertain significance for Brugada syndrome. Last evaluated: 2025-10-13. Review status: criteria provided, single submitter. Criteria: Invitae Variant Classification Sherloc (09022015). Collection method: clinical testing. Allele origin: germline.
Comment: This sequence change replaces alanine, which is neutral and non-polar, with valine, which is neutral and non-polar, at codon 822 of the SCN10A protein (p.Ala822Val). This variant is present in population databases (rs747839312, gnomAD 0.005%). This variant has not been reported in the literature in individuals affected with SCN10A-related conditions. ClinVar contains an entry for this variant (Variation ID: 463240). Invitae Evidence Modeling of protein sequence and biophysical properties (such as structural, functional, and spatial information, amino acid conservation, physicochemical variation, residue mobility, and thermodynamic stability) indicates that this missense variant is not expected to disrupt SCN10A protein function with a negative predictive value of 80%. In summary, the available evidence is currently insufficient to determine the role of this variant in disease. Therefore, it has been classified as a Variant of Uncertain Significance.

CeGaT Center for Human Genetics Tuebingen
Classification: Uncertain significance. Last evaluated: 2025-09-01. Review status: criteria provided, single submitter. Criteria: CeGaT Center For Human Genetics Tuebingen Variant Classification Criteria Version 2. Collection method: clinical testing. Allele origin: germline. Affected: yes. Observed: 1 variant allele.

Ambry Genetics
Classification: Uncertain significance for Cardiovascular phenotype. Last evaluated: 2024-05-17. Review status: criteria provided, single submitter. Criteria: Ambry Variant Classification Scheme 2023. Collection method: clinical testing. Allele origin: germline.
Comment: The p.A822V variant (also known as c.2465C>T), located in coding exon 15 of the SCN10A gene, results from a C to T substitution at nucleotide position 2465. The alanine at codon 822 is replaced by valine, an amino acid with similar properties. This amino acid position is not well conserved in available vertebrate species. In addition, this alteration is predicted to be tolerated by in silico analysis. Since supporting evidence is limited at this time, the clinical significance of this alteration remains unclear.

GeneDx
Classification: Uncertain significance. Last evaluated: 2022-07-14. Review status: criteria provided, single submitter. Criteria: GeneDx Variant Classification Process June 2021. Collection method: clinical testing. Allele origin: germline. Affected: yes.
Comment: In silico analysis supports that this missense variant does not alter protein structure/function; Has not been previously published as pathogenic or benign to our knowledge

Fulgent Genetics
Classification: Uncertain significance for Episodic pain syndrome, familial, 2. Last evaluated: 2021-10-12. Review status: criteria provided, single submitter. Criteria: ACMG Guidelines, 2015. Collection method: clinical testing. Allele origin: unknown.

Breakthrough Genomics
Classification: Uncertain significance. Review status: criteria provided, single submitter. Criteria: ACMG Guidelines, 2015. Collection method: not provided. Allele origin: germline. Inheritance: Autosomal dominant inheritance. Affected: yes.